The following is an entry in ClinVar:

ClinVar aggregate classification (germline): Likely benign. Review status: criteria provided, multiple submitters, no conflicts (2 of 4 stars). 3 submissions from 3 submitters: Likely benign (2). 1 of the submissions does not count toward it. Last evaluated 2024-10-02.

Conditions:
Medium-chain acyl-coenzyme A dehydrogenase deficiency (ACADMD). Also called: Medium chain acyl-CoA dehydrogenase deficiency; MCADD; MCAD Deficiency; ACADM DEFICIENCY; MCADH DEFICIENCY; CARNITINE DEFICIENCY SECONDARY TO MEDIUM-CHAIN ACYL-CoA DEHYDROGENASE DEFICIENCY. Identifiers: Orphanet 42, MedGen C0220710, MONDO:0008721, OMIM 201450.

Allele frequency attached by ClinVar (database versions not stated): gnomAD exomes below 0.00001; TOPMed below 0.00001; ExAC 0.00001; gnomAD 0.00001.
gnomAD v4.1: 4 of 1,613,132 alleles (0.00025%); highest among the groups gnomAD compares: African/African-American, 0.0013%; no homozygotes.

Submissions (3):

Labcorp Genetics (formerly Invitae), Labcorp
Classification: Likely benign for Medium-chain acyl-coenzyme A dehydrogenase deficiency. Last evaluated: 2024-10-02. Review status: criteria provided, single submitter. Criteria: Invitae Variant Classification Sherloc (09022015). Collection method: clinical testing. Allele origin: germline.

Women's Health and Genetics/Laboratory Corporation of America, LabCorp
Classification: Likely benign. Last evaluated: 2021-12-09. Review status: criteria provided, single submitter. Criteria: LabCorp Variant Classification Summary - May 2015. Collection method: clinical testing. Allele origin: germline.
Comment: Variant summary: ACADM c.610T>C alters a non-conserved nucleotide resulting in a synonymous change. 4/4 computational tools predict no significant impact on normal splicing. However, these predictions have yet to be confirmed by functional studies. The variant allele was found at a frequency of 4e-06 in 251382 control chromosomes. The available data on variant occurrences in the general population are insufficient to allow any conclusion about variant significance. To our knowledge, no occurrence of c.610T>C in individuals affected with Medium Chain Acyl-CoA Dehydrogenase Deficiency and no experimental evidence demonstrating its impact on protein function have been reported. One clinical diagnostic laboratory has submitted clinical-significance assessments for this variant to ClinVar after 2014 without evidence for independent evaluation and classified the variant as likely benign. Based on the evidence outlined above, the variant was classified as likely benign.

Natera, Inc.
Classification: Likely benign for Medium Chain Acyl-CoA Dehydrogenase Deficiency. Last evaluated: 2018-09-07. Review status: no assertion criteria provided. Collection method: clinical testing. Allele origin: germline. Not counted in ClinVar's aggregate classification.

NM_000016.6(ACADM):c.610T>C (p.Leu204=)

Gene: ACADM (acyl-CoA dehydrogenase medium chain; plus strand). Cytogenetic location: 1p31.1.
Variant type: single nucleotide variant.
Coding change: c.610T>C on transcript NM_000016.6 (MANE Select); coding-DNA position 610, T replaced by C.
Protein change: p.Leu204=; no amino-acid change (leucine 204 retained).
Molecular consequence: synonymous variant.
Genome position (GRCh38, 1-based): chr1:75,745,816, T>C. VCF-style: chr1-75745816-T-C. GRCh37 (hg19) VCF-style: chr1-76211501-T-C.
Other names: c.622T>C, p.Leu208= (NM_001127328.3); c.502T>C, p.Leu168= (NM_001286042.2); c.709T>C, p.Leu237= (NM_001286043.2); c.43T>C, p.Leu15= (NM_001286044.2).
Identifiers: ClinVar variation 1137080 (VCV001137080.13), dbSNP rs776993753, ClinGen allele CA913160.